The following is an entry in ClinVar:

ClinVar aggregate classification (germline): Uncertain significance. Review status: criteria provided, multiple submitters, no conflicts (2 of 4 stars). 2 submissions from 2 submitters: Uncertain significance (2). Last evaluated 2022-07-15.

Conditions:
Granulomatous disease, chronic, autosomal recessive, cytochrome b-positive, type 2. Also called: GRANULOMATOUS DISEASE, CHRONIC, DUE TO NCF2 DEFICIENCY; CGD, AUTOSOMAL RECESSIVE CYTOCHROME b-POSITIVE, TYPE II; Chronic granulomatous disease due to deficiency of NCF-2; Chronic Granulomatous Disease, Autosomal Recessive, Cytochrome b-Positive, Type II; GRANULOMATOUS DISEASE, CHRONIC, AUTOSOMAL RECESSIVE, 2. Identifiers: Orphanet 379, MedGen C1856245, MONDO:0009310, OMIM 233710.

Allele frequency attached by ClinVar (database versions not stated): gnomAD exomes below 0.00001; TOPMed 0.00001.
gnomAD v4.1: 7 of 1,603,482 alleles (0.00044%); highest among the groups gnomAD compares: Admixed American, 0.01%; no homozygotes.

Submissions (2):

Labcorp Genetics (formerly Invitae), Labcorp
Classification: Uncertain significance for Granulomatous disease, chronic, autosomal recessive, cytochrome b-positive, type 2. Last evaluated: 2022-07-15. Review status: criteria provided, single submitter. Criteria: Invitae Variant Classification Sherloc (09022015). Collection method: clinical testing. Allele origin: germline.
Comment: This sequence change replaces tyrosine, which is neutral and polar, with asparagine, which is neutral and polar, at codon 87 of the NCF2 protein (p.Tyr87Asn). This variant is present in population databases (no rsID available, gnomAD 0.01%). This variant has not been reported in the literature in individuals affected with NCF2-related conditions. Algorithms developed to predict the effect of missense changes on protein structure and function are either unavailable or do not agree on the potential impact of this missense change (SIFT: "Tolerated"; PolyPhen-2: "Probably Damaging"; Align-GVGD: "Class C0"). In summary, the available evidence is currently insufficient to determine the role of this variant in disease. Therefore, it has been classified as a Variant of Uncertain Significance.

Blueprint Genetics
Classification: Uncertain significance. Last evaluated: 2018-08-01. Review status: criteria provided, single submitter. Criteria: ACMG Guidelines, 2015. Collection method: clinical testing. Allele origin: germline.

NM_000433.4(NCF2):c.259T>A (p.Tyr87Asn)

Gene: NCF2 (neutrophil cytosolic factor 2; minus strand). Cytogenetic location: 1q25.3.
Variant type: single nucleotide variant.
Coding change: c.259T>A on transcript NM_000433.4 (MANE Select); coding-DNA position 259, T replaced by A.
Protein change: p.Tyr87Asn; replaces tyrosine 87 with asparagine.
Molecular consequence: missense variant.
Genome position (GRCh38, 1-based): chr1:183,577,706, A>T on the plus strand (T>A on the coding strand, the complement: NCF2 is on the minus strand). VCF-style: chr1-183577706-A-T. GRCh37 (hg19) VCF-style: chr1-183546841-A-T.
Other names: c.259T>A, p.Tyr87Asn (NM_001127651.3, NM_001190789.2, NM_001190794.2 and 1 more transcripts); short protein forms Y87N.
Identifiers: ClinVar variation 2149861 (VCV002149861.2), dbSNP rs940390623, ClinGen allele CA33985411.
Genomic context (GRCh38, chr1:183,577,706, plus strand): 5'-TCAGCTGGTTCCCTCGAAGCTGAATCAAGGCTTCTTTAAGGTCTTTGATAGCCAAATCAT[A>T]TCTGCAGGACAGAGGGAGAAAATACAGCAGTCTAGTGGATGGAGAAATAAATGCAGCATA-3'
Protein context (NP_000424.2, residues 77-97): RGMLYYQTEK[Tyr87Asn]DLAIKDLKEA